The following is an entry in ClinVar:

ClinVar aggregate classification (germline): Uncertain significance (1 of 4 stars; one submission).

Submission:

Labcorp Genetics (formerly Invitae), Labcorp
Classification: Uncertain significance. Last evaluated: 2022-08-22. Review status: criteria provided, single submitter. Criteria: Invitae Variant Classification Sherloc (09022015). Collection method: clinical testing. Allele origin: germline.
Comment: This sequence change replaces valine, which is neutral and non-polar, with alanine, which is neutral and non-polar, at codon 126 of the CLCNKB protein (p.Val126Ala). This variant is not present in population databases (gnomAD no frequency). This variant has not been reported in the literature in individuals affected with CLCNKB-related conditions. Advanced modeling of protein sequence and biophysical properties (such as structural, functional, and spatial information, amino acid conservation, physicochemical variation, residue mobility, and thermodynamic stability) performed at Invitae indicates that this missense variant is not expected to disrupt CLCNKB protein function. In summary, the available evidence is currently insufficient to determine the role of this variant in disease. Therefore, it has been classified as a Variant of Uncertain Significance.

NM_000085.5(CLCNKB):c.377T>C (p.Val126Ala)

Genes: CLCNKB (chloride voltage-gated channel Kb; plus strand), LOC106501713 (CLCNKB recombination region; plus strand). Cytogenetic location: 1p36.13.
Variant type: single nucleotide variant.
Coding change: c.377T>C on transcript NM_000085.5 (MANE Select); coding-DNA position 377, T replaced by C.
Protein change: p.Val126Ala; replaces valine 126 with alanine.
Molecular consequence: missense variant.
Genome position (GRCh38, 1-based): chr1:16,047,923, T>C. VCF-style: chr1-16047923-T-C. GRCh37 (hg19) VCF-style: chr1-16374418-T-C.
Other names: short protein forms V126A.
Identifiers: ClinVar variation 1970720 (VCV001970720.5), dbSNP rs2524375542, ClinGen allele CA338633095.
Genomic context (GRCh38, chr1:16,047,923, plus strand): 5'-CTAGAGATTGTCCCCCTCCTGGCCCTGCCCACCCCCGCCAAGGTTCTGGAATCCCGGAGG[T>C]GAAGACCATGTTGGCGGGTGTGGTCTTGGAGGACTACCTGGATATCAAGAACTTTGGGGC-3'
Protein context (NP_000076.2, residues 116-136): PSSGGSGIPE[Val126Ala]KTMLAGVVLE